The following is an entry in ClinVar:

ClinVar aggregate classification (germline): Uncertain significance (1 of 4 stars; one submission).

Conditions:
Metachromatic leukodystrophy (MLD). Also called: ARSA DEFICIENCY; CEREBROSIDE SULFATASE DEFICIENCY; Arylsulfatase A Deficiency; METACHROMATIC LEUKOENCEPHALOPATHY; SULFATIDE LIPIDOSIS; Cerebral sclerosis diffuse metachromatic form. Identifiers: Orphanet 512, MedGen C0023522, MONDO:0018868, OMIM 250100.

Allele frequency attached by ClinVar (database versions not stated): gnomAD exomes below 0.00001; TOPMed 0.00001; gnomAD 0.00002.

Submission:

Labcorp Genetics (formerly Invitae), Labcorp
Classification: Uncertain significance for Metachromatic leukodystrophy. Last evaluated: 2022-08-15. Review status: criteria provided, single submitter. Criteria: Invitae Variant Classification Sherloc (09022015). Collection method: clinical testing. Allele origin: germline.
Comment: This sequence change falls in intron 4 of the ARSA gene. It does not directly change the encoded amino acid sequence of the ARSA protein. It affects a nucleotide within the consensus splice site. This variant is present in population databases (no rsID available, gnomAD 0.01%). This variant has not been reported in the literature in individuals affected with ARSA-related conditions. ClinVar contains an entry for this variant (Variation ID: 1435883). Variants that disrupt the consensus splice site are a relatively common cause of aberrant splicing (PMID: 17576681, 9536098). Algorithms developed to predict the effect of sequence changes on RNA splicing suggest that this variant is not likely to affect RNA splicing. In summary, the available evidence is currently insufficient to determine the role of this variant in disease. Therefore, it has been classified as a Variant of Uncertain Significance.

Literature cited by the submitters: PubMed 17576681; PubMed 9536098.

NM_000487.6(ARSA):c.855-3C>T

Gene: ARSA (arylsulfatase A; minus strand). Cytogenetic location: 22q13.33.
Variant type: single nucleotide variant.
Coding change: c.855-3C>T on transcript NM_000487.6 (MANE Select); 3 bases into the intron before coding-DNA position 855, C replaced by T.
Molecular consequence: intron variant.
Genome position (GRCh38, 1-based): chr22:50,626,281, G>A on the plus strand (C>T on the coding strand, the complement: ARSA is on the minus strand). VCF-style: chr22-50626281-G-A. GRCh37 (hg19) VCF-style: chr22-51064709-G-A.
Other names: c.597-3C>T (NM_001362782.2, NM_001085428.3); c.855-3C>T (NM_001085427.3, NM_001085426.3, NM_001085425.3).
Identifiers: ClinVar variation 1435883 (VCV001435883.5), dbSNP rs1338786023, ClinGen allele CA640358668.
Genomic context (GRCh38, chr22:50,626,281, plus strand): 5'-CTTTCCACACCGCAAGAGACCGGAGCAGCCGCCTCGGGACATACGCATGGTCTCAGGTCT[G>A]GGACACAGGAGGCGCTCATGAGCCATGGAGCCACAGCCTCTGAGCCACCGAGGGTGACCA-3'